The following is an entry in ClinVar:

NM_006279.5(ST3GAL3):c.995C>G (p.Pro332Arg)

Gene: ST3GAL3 (ST3 beta-galactoside alpha-2,3-sialyltransferase 3; plus strand). Cytogenetic location: 1p34.1.
Variant type: single nucleotide variant.
Coding change: c.995C>G on transcript NM_006279.5 (MANE Select); coding-DNA position 995, C replaced by G.
Protein change: p.Pro332Arg; replaces proline 332 with arginine.
Molecular consequence: missense variant. On other transcripts: non-coding transcript variant (6), intron variant (11).
Genome position (GRCh38, 1-based): chr1:43,920,885, C>G. VCF-style: chr1-43920885-C-G. GRCh37 (hg19) VCF-style: chr1-44386557-C-G.
Other names: c.905C>G, p.Pro302Arg (NM_001270459.2); c.902C>G, p.Pro301Arg (NM_001270460.2); c.1040C>G, p.Pro347Arg (NM_001350619.2, NM_174964.4); c.995C>G, p.Pro332Arg (NM_001350620.2); c.716C>G, p.Pro239Arg (NM_001350621.2); c.1202C>G, p.Pro401Arg (NM_174963.5); c.1157C>G, p.Pro386Arg (NM_174968.5); c.947C>G, p.Pro316Arg (NM_174969.4); and 13 more; short protein forms P301R, P347R, P332R, P239R, P302R, P316R, P370R, P386R.
Identifiers: ClinVar variation 1402704 (VCV001402704.8), dbSNP rs976240200, ClinGen allele CA21671076.
Genomic context (GRCh38, chr1:43,920,885, plus strand): 5'-ACGGCTGTGACGAGGTGGCAGTCGCAGGATTTGGCTATGACATGAGCACACCCAACGCAC[C>G]CCTGCACTACTATGAGACCGTTCGCATGGCAGCCATCAAAGAGGTTCGGGGCTGGGTATG-3'
Protein context (NP_006270.1, residues 322-342): FGYDMSTPNA[Pro332Arg]LHYYETVRMA

ClinVar aggregate classification (germline): Uncertain significance. Review status: criteria provided, multiple submitters, no conflicts (2 of 4 stars). 2 submissions from 2 submitters: Uncertain significance (2). Last evaluated 2024-09-11.

Conditions:
Inborn genetic diseases. Identifiers: MedGen C0950123, MeSH D030342.
Developmental and epileptic encephalopathy. Identifiers: MedGen C5779964, MONDO:0100620.

Allele frequency attached by ClinVar (database versions not stated): gnomAD exomes 0.00002 and 0.00001; TOPMed below 0.00001.
gnomAD v4.1: 31 of 1,614,106 alleles (0.0019%); highest among the groups gnomAD compares: Non-Finnish European, 0.0026%; no homozygotes.

Submissions (2):

Ambry Genetics
Classification: Uncertain significance for Inborn genetic diseases. Last evaluated: 2024-09-11. Review status: criteria provided, single submitter. Criteria: Ambry Variant Classification Scheme 2023. Collection method: clinical testing. Allele origin: germline.

Labcorp Genetics (formerly Invitae), Labcorp
Classification: Uncertain significance for Early-infantile DEE. Last evaluated: 2022-03-20. Review status: criteria provided, single submitter. Criteria: Invitae Variant Classification Sherloc (09022015). Collection method: clinical testing. Allele origin: germline.
Comment: This sequence change replaces proline, which is neutral and non-polar, with arginine, which is basic and polar, at codon 332 of the ST3GAL3 protein (p.Pro332Arg). This variant is present in population databases (no rsID available, gnomAD 0.002%). This variant has not been reported in the literature in individuals affected with ST3GAL3-related conditions. Algorithms developed to predict the effect of missense changes on protein structure and function are either unavailable or do not agree on the potential impact of this missense change (SIFT: "Tolerated"; PolyPhen-2: "Probably Damaging"; Align-GVGD: "Class C0"). In summary, the available evidence is currently insufficient to determine the role of this variant in disease. Therefore, it has been classified as a Variant of Uncertain Significance.